The following is an entry in ClinVar:

NM_001035.3(RYR2):c.10936-15T>A

Gene: RYR2 (ryanodine receptor 2; plus strand). Cytogenetic location: 1q43.
Variant type: single nucleotide variant.
Coding change: c.10936-15T>A on transcript NM_001035.3 (MANE Select); 15 bases into the intron before coding-DNA position 10936, T replaced by A.
Molecular consequence: intron variant.
Genome position (GRCh38, 1-based): chr1:237,732,031, T>A. VCF-style: chr1-237732031-T-A. GRCh37 (hg19) VCF-style: chr1-237895331-T-A.
Other names: c.10936-15T>A (LRG_402t1).
Identifiers: ClinVar variation 386344 (VCV000386344.14), dbSNP rs372569768, ClinGen allele CA084604.

ClinVar aggregate classification (germline): Likely benign. Review status: criteria provided, multiple submitters, no conflicts (2 of 4 stars). 5 submissions from 5 submitters: Likely benign (5). Last evaluated 2025-10-17.

Conditions:
Catecholaminergic polymorphic ventricular tachycardia (CVPT). Also called: Catecholamine-induced polymorphic ventricular tachycardia. Identifiers: Orphanet 3286, MedGen C5574922, MONDO:0017990.
Cardiomyopathy (CMYO). Also called: Cardiomyopathies. Identifiers: Orphanet 167848, MedGen C0878544, MONDO:0004994, HP:0001638. Inheritance: Various modes of inheritance.
Catecholaminergic polymorphic ventricular tachycardia 1. Also called: RYR2-Related Catecholaminergic Polymorphic Ventricular Tachycardia; VENTRICULAR TACHYCARDIA, STRESS-INDUCED POLYMORPHIC 1; VENTRICULAR TACHYCARDIA, CATECHOLAMINERGIC POLYMORPHIC, 1, WITH OR WITHOUT ATRIAL DYSFUNCTION AND/OR DILATED CARDIOMYOPATHY. Identifiers: Orphanet 3286, MedGen C1631597, MONDO:0011484, OMIM 604772.

Allele frequency attached by ClinVar (database versions not stated): TOPMed 0.00001; gnomAD exomes 0.00002; ESP Exome Variant Server 0.00008; 1000 Genomes Project 30x 0.00016.
gnomAD v4.1: 30 of 1,554,524 alleles (0.0019%); highest among the groups gnomAD compares: South Asian, 0.011%; no homozygotes.

Submissions (5):

Labcorp Genetics (formerly Invitae), Labcorp
Classification: Likely benign for Catecholaminergic polymorphic ventricular tachycardia 1. Last evaluated: 2025-10-17. Review status: criteria provided, single submitter. Criteria: Invitae Variant Classification Sherloc (09022015). Collection method: clinical testing. Allele origin: germline.

All of Us Research Program, National Institutes of Health
Classification: Likely benign for Catecholaminergic polymorphic ventricular tachycardia. Last evaluated: 2024-06-17. Review status: criteria provided, single submitter. Criteria: ACMG Guidelines, 2015. Collection method: clinical testing. Allele origin: germline. Inheritance: Autosomal dominant inheritance. Observed: 1 variant allele, 1 heterozygote.
Comment: This study involves interpretation of variants in research participants for the purpose of population health screening. Participant phenotype was not available at the time of variant classification. Additional details can be found in publication PMID: 35346344, PMCID: PMC8962531

Blueprint Genetics
Classification: Likely benign. Last evaluated: 2024-03-07. Review status: criteria provided, single submitter. Criteria: ACMG Guidelines, 2015. Collection method: clinical testing. Allele origin: germline.

Color Diagnostics, LLC DBA Color Health
Classification: Likely benign for Cardiomyopathy. Last evaluated: 2018-12-01. Review status: criteria provided, single submitter. Criteria: ACMG Guidelines, 2015. Collection method: clinical testing. Allele origin: germline.

GeneDx
Classification: Likely benign. Last evaluated: 2016-05-18. Review status: criteria provided, single submitter. Criteria: GeneDx Variant Classification (06012015). Collection method: clinical testing. Allele origin: germline. Affected: yes.
Comment: This variant is considered likely benign or benign based on one or more of the following criteria: it is a conservative change, it occurs at a poorly conserved position in the protein, it is predicted to be benign by multiple in silico algorithms, and/or has population frequency not consistent with disease.